The following is an entry in ClinVar:

NM_030665.4(RAI1):c.647T>G (p.Phe216Cys)

Gene: RAI1 (retinoic acid induced 1; plus strand). Cytogenetic location: 17p11.2.
Variant type: single nucleotide variant.
Coding change: c.647T>G on transcript NM_030665.4 (MANE Select); coding-DNA position 647, T replaced by G.
Protein change: p.Phe216Cys; replaces phenylalanine 216 with cysteine.
Molecular consequence: missense variant.
Genome position (GRCh38, 1-based): chr17:17,793,595, T>G. VCF-style: chr17-17793595-T-G. GRCh37 (hg19) VCF-style: chr17-17696909-T-G.
Other names: short protein forms F216C.
Identifiers: ClinVar variation 4742413 (VCV004742413.1).

ClinVar aggregate classification (germline): Uncertain significance (1 of 4 stars; one submission).

gnomAD v4.1: 1 of 1,613,480 alleles (0.000062%); highest among the groups gnomAD compares: Non-Finnish European, 0.000085%; no homozygotes.

Submission:

Labcorp Genetics (formerly Invitae), Labcorp
Classification: Uncertain significance. Last evaluated: 2025-03-19. Review status: criteria provided, single submitter. Criteria: Invitae Variant Classification Sherloc (09022015). Collection method: clinical testing. Allele origin: germline.
Comment: This sequence change replaces phenylalanine, which is neutral and non-polar, with cysteine, which is neutral and slightly polar, at codon 216 of the RAI1 protein (p.Phe216Cys). This variant is not present in population databases (gnomAD no frequency). This variant has not been reported in the literature in individuals affected with RAI1-related conditions. Invitae Evidence Modeling of protein sequence and biophysical properties (such as structural, functional, and spatial information, amino acid conservation, physicochemical variation, residue mobility, and thermodynamic stability) indicates that this missense variant is not expected to disrupt RAI1 protein function with a negative predictive value of 80%. In summary, the available evidence is currently insufficient to determine the role of this variant in disease. Therefore, it has been classified as a Variant of Uncertain Significance.